The following is an entry in ClinVar:

NM_182706.5(SCRIB):c.2070G>A (p.Glu690=)

Gene: SCRIB (scribble planar cell polarity protein; minus strand). Cytogenetic location: 8q24.3.
Variant type: single nucleotide variant.
Coding change: c.2070G>A on transcript NM_182706.5 (MANE Select); coding-DNA position 2070, G replaced by A.
Protein change: p.Glu690=; no amino-acid change (glutamic acid 690 retained).
Molecular consequence: synonymous variant.
Genome position (GRCh38, 1-based): chr8:143,808,654, C>T on the plus strand (G>A on the coding strand, the complement: SCRIB is on the minus strand). VCF-style: chr8-143808654-C-T. GRCh37 (hg19) VCF-style: chr8-144890824-C-T.
Other names: c.2070G>A, p.Glu690= (NM_015356.5).
Identifiers: ClinVar variation 3040661 (VCV003040661.3), dbSNP rs149444015, ClinGen allele CA187609011.

ClinVar aggregate classification (germline): Likely benign. Review status: criteria provided, single submitter (1 of 4 stars). 2 submissions from 2 submitters: Likely benign (1). 1 of the submissions does not count toward it. Last evaluated 2024-10-02.

Conditions:
SCRIB-related disorder. Also called: SCRIB-related condition.

Allele frequency attached by ClinVar (database versions not stated): TOPMed 0.00009; gnomAD exomes 0.00013; ExAC 0.00015; ESP Exome Variant Server 0.00015; 1000 Genomes Project 30x 0.00031; 1000 Genomes Project 0.00040.
gnomAD v4.1: 200 of 1,521,956 alleles (0.013%); highest among the groups gnomAD compares: Middle Eastern, 0.11%; no homozygotes.

Submissions (2):

Blueprint Genetics
Classification: Likely benign. Last evaluated: 2024-10-02. Review status: criteria provided, single submitter. Criteria: ACMG Guidelines, 2015. Collection method: clinical testing. Allele origin: germline.

PreventionGenetics, part of Exact Sciences
Classification: Likely benign for SCRIB-related condition. Last evaluated: 2019-10-28. Review status: no assertion criteria provided. Collection method: clinical testing. Allele origin: germline. Not counted in ClinVar's aggregate classification.
Comment: This variant is classified as likely benign based on ACMG/AMP sequence variant interpretation guidelines (Richards et al. 2015 PMID: 25741868, with internal and published modifications).